The following is an entry in ClinVar:

ClinVar aggregate classification (germline): Likely benign. Review status: criteria provided, single submitter (1 of 4 stars). 2 submissions from 2 submitters: Likely benign (1). 1 of the submissions does not count toward it. Last evaluated 2017-03-15.

Conditions:
NFIA-Related Disorder. Also called: NFIA-related condition; NFIA-related disorders. Identifiers: MedGen CN381099.

Submissions (2):

Genetic Services Laboratory, University of Chicago
Classification: Likely benign. Last evaluated: 2017-03-15. Review status: criteria provided, single submitter. Criteria: ACMG Guidelines, 2015. Collection method: clinical testing. Allele origin: germline. Affected: no.

PreventionGenetics, part of Exact Sciences
Classification: Likely benign for NFIA-related condition. Last evaluated: 2019-05-28. Review status: no assertion criteria provided. Collection method: clinical testing. Allele origin: germline. Not counted in ClinVar's aggregate classification.
Comment: This variant is classified as likely benign based on ACMG/AMP sequence variant interpretation guidelines (Richards et al. 2015 PMID: 25741868, with internal and published modifications).

NM_001134673.4(NFIA):c.1255-9_1255-8insA

Gene: NFIA (nuclear factor I A; plus strand). Cytogenetic location: 1p31.3.
Variant type: Insertion.
Coding change: c.1255-9_1255-8insA on transcript NM_001134673.4 (MANE Select); 9 bases into the intron before coding-DNA position 1255 through 8 bases into the intron before coding-DNA position 1255, A inserted.
Molecular consequence: intron variant.
Genome position: GRCh38 VCF-style: chr1-61406553-C-CA. GRCh37 (hg19) VCF-style: chr1-61872225-C-CA.
Other names: c.1231-9_1231-8insA (NM_001145511.2); c.1390-9_1390-8insA (NM_001145512.2); c.1255-9_1255-8insA (NM_005595.5).
Identifiers: ClinVar variation 435979 (VCV000435979.8), dbSNP rs777624713, ClinGen allele CA881236.